The following is an entry in ClinVar:

ClinVar aggregate classification (germline): Pathogenic (1 of 4 stars; one submission).

Allele frequency attached by ClinVar (database versions not stated): gnomAD exomes below 0.00001.

Submission:

Labcorp Genetics (formerly Invitae), Labcorp
Classification: Pathogenic. Last evaluated: 2023-10-29. Review status: criteria provided, single submitter. Criteria: Invitae Variant Classification Sherloc (09022015). Collection method: clinical testing. Allele origin: germline.
Comment: This sequence change creates a premature translational stop signal (p.Phe130Hisfs*5) in the SCO2 gene. While this is not anticipated to result in nonsense mediated decay, it is expected to disrupt the last 137 amino acid(s) of the SCO2 protein. This variant is not present in population databases (gnomAD no frequency). This variant has not been reported in the literature in individuals affected with SCO2-related conditions. Algorithms developed to predict the effect of sequence changes on RNA splicing suggest that this variant may create or strengthen a splice site. This variant disrupts a region of the SCO2 protein in which other variant(s) (p.Gly193Ser) have been determined to be pathogenic (PMID: 19353847, 29193756, 32600061). This suggests that this is a clinically significant region of the protein, and that variants that disrupt it are likely to be disease-causing. For these reasons, this variant has been classified as Pathogenic.

Literature cited by the submitters: PubMed 19353847; PubMed 29193756; PubMed 32600061.

NM_005138.3(SCO2):c.387_388del (p.Phe130fs)

Genes: NCAPH2 (non-SMC condensin II complex subunit H2; plus strand), SCO2 (synthesis of cytochrome C oxidase 2; minus strand). Cytogenetic location: 22q13.33.
Variant type: Deletion.
Coding change: c.387_388del on transcript NM_005138.3 (MANE Select); coding-DNA positions 387 to 388, 2 bases deleted (CT; older notation c.387_388delCT).
Protein change: p.Phe130fs; shifts the reading frame from phenylalanine 130.
Molecular consequence: frameshift variant. On other transcripts: 3 prime UTR variant (2).
Genome position (GRCh38, 1-based): chr22:50,524,024-50,524,025, AG deleted on the plus strand (CT on the coding strand, the reverse complement: SCO2 is on the minus strand). VCF-style (leftmost placement, unchanged base first): chr22-50524023-AAG-A. GRCh37 (hg19) VCF-style: chr22-50962452-AAG-A.
Other names: c.*649_*650del (NM_001185011.2, NM_152299.4); c.387_388del, p.Phe130fs (NM_001169109.2, NM_001169110.1, NM_001169111.2); short protein forms F130fs.
Identifiers: ClinVar variation 2772673 (VCV002772673.3), dbSNP rs2522471224, ClinGen allele CA2657556958.